The following is an entry in ClinVar:

ClinVar aggregate classification (germline): Uncertain significance. Review status: criteria provided, multiple submitters, no conflicts (2 of 4 stars). 3 submissions from 3 submitters: Uncertain significance (3). Last evaluated 2025-04-11.

Conditions:
Marfan syndrome (MFS). Also called: Marfan syndrome type 1; Marfan's syndrome; FBN1-Related Marfan Syndrome; MARFAN SYNDROME, TYPE I; Marfan syndrome, classic. Identifiers: Orphanet 284963, Orphanet 558, MedGen C0024796, MONDO:0007947, OMIM 154700.
Familial thoracic aortic aneurysm and aortic dissection (TAAD). Also called: Thoracic aortic aneurysms and dissections. Identifiers: Orphanet 91387, MedGen C4707243, MONDO:0019625.

Allele frequency attached by ClinVar (database versions not stated): TOPMed below 0.00001; gnomAD exomes 0.00001.
gnomAD v4.1: 13 of 1,613,270 alleles (0.00081%); highest among the groups gnomAD compares: Non-Finnish European, 0.001%; no homozygotes.

Submissions (3):

Labcorp Genetics (formerly Invitae), Labcorp
Classification: Uncertain significance for Marfan syndrome; Familial thoracic aortic aneurysm and aortic dissection. Last evaluated: 2025-04-11. Review status: criteria provided, single submitter. Criteria: Invitae Variant Classification Sherloc (09022015). Collection method: clinical testing. Allele origin: germline.
Comment: This sequence change replaces valine, which is neutral and non-polar, with methionine, which is neutral and non-polar, at codon 556 of the FBN1 protein (p.Val556Met). This variant is present in population databases (no rsID available, gnomAD 0.007%). This variant has not been reported in the literature in individuals affected with FBN1-related conditions. ClinVar contains an entry for this variant (Variation ID: 1332389). Invitae Evidence Modeling of protein sequence and biophysical properties (such as structural, functional, and spatial information, amino acid conservation, physicochemical variation, residue mobility, and thermodynamic stability) indicates that this missense variant is expected to disrupt FBN1 protein function with a positive predictive value of 80%. In summary, the available evidence is currently insufficient to determine the role of this variant in disease. Therefore, it has been classified as a Variant of Uncertain Significance.

All of Us Research Program, National Institutes of Health
Classification: Uncertain significance for Marfan syndrome. Last evaluated: 2024-06-11. Review status: criteria provided, single submitter. Criteria: ACMG Guidelines, 2015. Collection method: clinical testing. Allele origin: germline. Inheritance: Autosomal dominant inheritance. Observed: 7 variant alleles, 7 heterozygotes.
Comment: This missense variant replaces valine with methionine at codon 556 of the FBN1 protein. Computational prediction is inconclusive regarding the impact of this variant on protein structure and function (internally defined REVEL score threshold 0.5 < inconclusive < 0.7, PMID: 27666373). To our knowledge, functional studies have not been reported for this variant. This variant has not been reported in individuals affected with cardiovascular disorders in the literature. This variant has been identified in 1/31406 chromosomes in the general population by the Genome Aggregation Database (gnomAD). The available evidence is insufficient to determine the role of this variant in disease conclusively. Therefore, this variant is classified as a Variant of Uncertain Significance.

This study involves interpretation of variants in research participants for the purpose of population health screening. Participant phenotype was not available at the time of variant classification. Additional details can be found in publication PMID: 35346344, PMCID: PMC8962531

Color Diagnostics, LLC DBA Color Health
Classification: Uncertain significance for Familial thoracic aortic aneurysm and aortic dissection. Last evaluated: 2024-03-07. Review status: criteria provided, single submitter. Criteria: ACMG Guidelines, 2015. Collection method: clinical testing. Allele origin: germline.
Comment: This missense variant replaces valine with methionine at codon 556 of the FBN1 protein. Computational prediction is inconclusive regarding the impact of this variant on protein structure and function (internally defined REVEL score threshold 0.5 < inconclusive < 0.7, PMID: 27666373). To our knowledge, functional studies have not been reported for this variant. This variant has not been reported in individuals affected with FBN1-related disorders in the literature. This variant has been identified in 1/31406 chromosomes in the general population by the Genome Aggregation Database (gnomAD). The available evidence is insufficient to determine the role of this variant in disease conclusively. Therefore, this variant is classified as a Variant of Uncertain Significance.

NM_000138.5(FBN1):c.1666G>A (p.Val556Met)

Gene: FBN1 (fibrillin 1; minus strand). Cytogenetic location: 15q21.1.
Variant type: single nucleotide variant.
Coding change: c.1666G>A on transcript NM_000138.5 (MANE Select); coding-DNA position 1666, G replaced by A.
Protein change: p.Val556Met; replaces valine 556 with methionine.
Molecular consequence: missense variant.
Genome position (GRCh38, 1-based): chr15:48,510,092, C>T on the plus strand (G>A on the coding strand, the complement: FBN1 is on the minus strand). VCF-style: chr15-48510092-C-T. GRCh37 (hg19) VCF-style: chr15-48802289-C-T.
Other names: short protein forms V556M.
Identifiers: ClinVar variation 1332389 (VCV001332389.12), dbSNP rs1239988676, ClinGen allele CA392341065.